The following is an entry in ClinVar:

ClinVar aggregate classification (germline): Conflicting classifications of pathogenicity. Review status: criteria provided, conflicting classifications (1 of 4 stars). 2 submissions from 2 submitters: Uncertain significance (1); Likely benign (1). Last evaluated 2025-03-05.

Conditions:
Pierpont syndrome (PRPTS). Identifiers: Orphanet 487825, MedGen C1865644, MONDO:0011213, OMIM 602342.

Allele frequency attached by ClinVar (database versions not stated): gnomAD exomes 0.00001; TOPMed 0.00001; ExAC 0.00003.
gnomAD v4.1: 9 of 1,612,004 alleles (0.00056%); highest among the groups gnomAD compares: African/African-American, 0.0013%; no homozygotes.

Submissions (3):

Labcorp Genetics (formerly Invitae), Labcorp
Classification: Uncertain significance for Pierpont syndrome. Last evaluated: 2025-03-05. Review status: criteria provided, single submitter. Criteria: Invitae Variant Classification Sherloc (09022015). Collection method: clinical testing. Allele origin: germline.
Comment: This sequence change affects codon 506 of the TBL1XR1 mRNA. It is a 'silent' change, meaning that it does not change the encoded amino acid sequence of the TBL1XR1 protein. It affects a nucleotide within the consensus splice site. This variant is present in population databases (rs774132454, gnomAD 0.004%). This variant has not been reported in the literature in individuals affected with TBL1XR1-related conditions. ClinVar contains an entry for this variant (Variation ID: 2892099). Algorithms developed to predict the effect of sequence changes on RNA splicing suggest that this variant is not likely to affect RNA splicing. In summary, the available evidence is currently insufficient to determine the role of this variant in disease. Therefore, it has been classified as a Variant of Uncertain Significance.

Blueprint Genetics
Classification: Likely benign. Last evaluated: 2022-06-03. Review status: criteria provided, single submitter. Criteria: ACMG Guidelines, 2015. Collection method: clinical testing. Allele origin: germline.

Dr. Peter K. Rogan Lab, Western University
No classification provided (evidence only). Condition: Thyroid cancer, nonmedullary, 1. Review status: no classification provided. Collection method: in vitro. Allele origin: not applicable. Functional consequence: retained intron. Not counted in ClinVar's aggregate classification.

NM_024665.7(TBL1XR1):c.1518A>C (p.Ser506=)

Gene: TBL1XR1 (TBL1X/Y related 1; minus strand). Cytogenetic location: 3q26.32.
Variant type: single nucleotide variant.
Coding change: c.1518A>C on transcript NM_024665.7 (MANE Select); coding-DNA position 1518, A replaced by C.
Protein change: p.Ser506=; no amino-acid change (serine 506 retained).
Molecular consequence: synonymous variant.
Genome position (GRCh38, 1-based): chr3:177,026,373, T>G on the plus strand (A>C on the coding strand, the complement: TBL1XR1 is on the minus strand). VCF-style: chr3-177026373-T-G. GRCh37 (hg19) VCF-style: chr3-176744161-T-G.
Other names: c.1518A>C, p.Ser506= (NM_001321193.3, NM_001321194.3, NM_001374327.1 and 2 more transcripts); c.1257A>C, p.Ser419= (NM_001321195.3, NM_001374330.1).
Identifiers: ClinVar variation 2892099 (VCV002892099.5), dbSNP rs774132454, ClinGen allele CA2709752.